The following is an entry in ClinVar:

NM_170606.3(KMT2C):c.5683A>G (p.Met1895Val)

Gene: KMT2C (lysine methyltransferase 2C; minus strand). Cytogenetic location: 7q36.1.
Variant type: single nucleotide variant.
Coding change: c.5683A>G on transcript NM_170606.3 (MANE Select); coding-DNA position 5683, A replaced by G.
Protein change: p.Met1895Val; replaces methionine 1895 with valine.
Molecular consequence: missense variant.
Genome position (GRCh38, 1-based): chr7:152,182,177, T>C on the plus strand (A>G on the coding strand, the complement: KMT2C is on the minus strand). VCF-style: chr7-152182177-T-C. GRCh37 (hg19) VCF-style: chr7-151879262-T-C.
Other names: c.5683A>G (NM_170606.2); short protein forms M1895V.
Identifiers: ClinVar variation 2054898 (VCV002054898.29), dbSNP rs144021585, ClinGen allele CA4580208.

ClinVar aggregate classification (germline): Benign/Likely benign. Review status: criteria provided, multiple submitters, no conflicts (2 of 4 stars). 4 submissions from 4 submitters: Benign (1); Likely benign (2). 1 of the submissions does not count toward it. Last evaluated 2025-06-10.

Conditions:
KMT2C-related disorder. Also called: KMT2C-related disorders; KMT2C-related condition.

Allele frequency attached by ClinVar (database versions not stated): gnomAD exomes 0.00030; TOPMed 0.00049; gnomAD 0.00053; ExAC 0.00058; ESP Exome Variant Server 0.00069; 1000 Genomes Project 0.00100; 1000 Genomes Project 30x 0.00141.

Submissions (4):

Labcorp Genetics (formerly Invitae), Labcorp
Classification: Benign. Last evaluated: 2025-06-10. Review status: criteria provided, single submitter. Criteria: Invitae Variant Classification Sherloc (09022015). Collection method: clinical testing. Allele origin: germline.

CeGaT Center for Human Genetics Tuebingen
Classification: Likely benign. Last evaluated: 2023-11-01. Review status: criteria provided, single submitter. Criteria: CeGaT Center For Human Genetics Tuebingen Variant Classification Criteria Version 2. Collection method: clinical testing. Allele origin: germline. Affected: yes. Observed: 1 variant allele.
Comment: KMT2C: BP4, BS1

Breakthrough Genomics
Classification: Likely benign. Review status: criteria provided, single submitter. Criteria: ACMG Guidelines, 2015. Collection method: not provided. Allele origin: germline. Inheritance: Autosomal dominant inheritance. Affected: yes.

PreventionGenetics, part of Exact Sciences
Classification: Likely benign for KMT2C-related condition. Last evaluated: 2021-08-18. Review status: no assertion criteria provided. Collection method: clinical testing. Allele origin: germline. Not counted in ClinVar's aggregate classification.
Comment: This variant is classified as likely benign based on ACMG/AMP sequence variant interpretation guidelines (Richards et al. 2015 PMID: 25741868, with internal and published modifications).